The following is an entry in ClinVar:

NM_000059.4(BRCA2):c.5293A>T (p.Lys1765Ter)

Gene: BRCA2 (BRCA2 DNA repair associated; plus strand). Cytogenetic location: 13q13.1.
Variant type: single nucleotide variant.
Coding change: c.5293A>T on transcript NM_000059.4 (MANE Select); coding-DNA position 5293, A replaced by T.
Protein change: p.Lys1765Ter; replaces lysine 1765 with a stop codon.
Molecular consequence: nonsense.
Genome position (GRCh38, 1-based): chr13:32,339,648, A>T. VCF-style: chr13-32339648-A-T. GRCh37 (hg19) VCF-style: chr13-32913785-A-T.
Other names: 5521A>T; short protein forms K1765*.
Identifiers: ClinVar variation 252838 (VCV000252838.2), dbSNP rs879255458, ClinGen allele CA10586073.

ClinVar aggregate classification (germline): Pathogenic. Review status: reviewed by expert panel (3 of 4 stars). 2 submissions from 2 submitters: Pathogenic (1). 1 of the submissions does not count toward it. Last evaluated 2017-12-15.

Conditions:
Breast-ovarian cancer, familial, susceptibility to, 2 (BROVCA2). Also called: BRCA2 Hereditary Breast and Ovarian Cancer. Identifiers: Orphanet 145, MedGen C2675520, MONDO:0012933, OMIM 612555. Disease mechanism: loss of function.

Submissions (2):

Evidence-based Network for the Interpretation of Germline Mutant Alleles (ENIGMA)
Classification: Pathogenic for Breast-ovarian cancer, familial, susceptibility to, 2. Last evaluated: 2017-12-15. Review status: reviewed by expert panel. Criteria: ENIGMA BRCA1/2 Classification Criteria (2017-06-29). Collection method: curation. Allele origin: germline. Study: ENIGMA.
Comment: Variant allele predicted to encode a truncated non-functional protein.

Sharing Clinical Reports Project (SCRP)
Classification: Pathogenic for Breast-ovarian cancer, familial 2. Last evaluated: 2012-06-20. Review status: no assertion criteria provided. Collection method: clinical testing. Allele origin: germline. Not counted in ClinVar's aggregate classification.